The following is an entry in ClinVar:

NM_000421.5(KRT10):c.1373+1G>A

Genes: KRT10 (keratin 10; minus strand), KRT10-AS1 (KRT10 antisense RNA 1; plus strand). Cytogenetic location: 17q21.2.
Variant type: single nucleotide variant.
Coding change: c.1373+1G>A on transcript NM_000421.5 (MANE Select); the canonical splice donor site of the intron after coding-DNA position 1373, G replaced by A.
Molecular consequence: splice donor variant.
Genome position (GRCh38, 1-based): chr17:40,819,516, C>T on the plus strand (G>A on the coding strand, the complement: KRT10 is on the minus strand). VCF-style: chr17-40819516-C-T. GRCh37 (hg19) VCF-style: chr17-38975768-C-T.
Other names: IVS6DS, G-A, +1; c.1373+1G>A (NM_001379366.1).
Identifiers: ClinVar variation 14582 (VCV000014582.3), dbSNP rs587776816, ClinGen allele CA124149.

ClinVar aggregate classification (germline): Pathogenic. Review status: criteria provided, single submitter (1 of 4 stars). 2 submissions from 2 submitters: Pathogenic (1). 1 of the submissions does not count toward it. Last evaluated 2023-02-23.

Conditions:
Congenital reticular ichthyosiform erythroderma (IWC). Also called: ICHTHYOSIS WITH CONFETTI. Identifiers: Orphanet 281190, MedGen C3665704, MONDO:0012208, OMIM 609165.

Submissions (2):

3billion
Classification: Pathogenic for Congenital reticular ichthyosiform erythroderma. Last evaluated: 2023-02-23. Review status: criteria provided, single submitter. Criteria: ACMG Guidelines, 2015. Collection method: clinical testing. Allele origin: unknown. Affected: yes.
Comment: The variant is not observed in the gnomAD v2.1.1 dataset. This variant was predicted to alter splicing and result in a loss or disruption of normal protein function. Multiple pathogenic loss-of-function variants are reported downstream of the variant. The variant has been reported to be associated with KRT10 related disorder (PMID: 20798280). Therefore, this variant is classified as Pathogenic according to the recommendation of ACMG/AMP guideline.

OMIM
Classification: Pathogenic for ICHTHYOSIS WITH CONFETTI. Last evaluated: 2010-10-01. Review status: no assertion criteria provided. Collection method: literature only. Allele origin: germline. Not counted in ClinVar's aggregate classification.

Literature cited by the submitters: PubMed 20798280 (cited by 3billion and OMIM).